The following is an entry in ClinVar:

ClinVar aggregate classification (germline): Uncertain significance (1 of 4 stars; one submission).

Submission:

Labcorp Genetics (formerly Invitae), Labcorp
Classification: Uncertain significance. Last evaluated: 2021-07-08. Review status: criteria provided, single submitter. Criteria: Invitae Variant Classification Sherloc (09022015). Collection method: clinical testing. Allele origin: germline.
Comment: This sequence change replaces leucine with phenylalanine at codon 410 of the TUBGCP4 protein (p.Leu410Phe). The leucine residue is highly conserved and there is a small physicochemical difference between leucine and phenylalanine. This variant is not present in population databases (ExAC no frequency). This variant has not been reported in the literature in individuals affected with TUBGCP4-related conditions. Algorithms developed to predict the effect of missense changes on protein structure and function are either unavailable or do not agree on the potential impact of this missense change (SIFT: "Deleterious"; PolyPhen-2: "Benign"; Align-GVGD: "Class C0"). In summary, the available evidence is currently insufficient to determine the role of this variant in disease. Therefore, it has been classified as a Variant of Uncertain Significance.

NM_014444.5(TUBGCP4):c.1228C>T (p.Leu410Phe)

Gene: TUBGCP4 (tubulin gamma complex component 4; plus strand). Cytogenetic location: 15q15.3.
Variant type: single nucleotide variant.
Coding change: c.1228C>T on transcript NM_014444.5 (MANE Select); coding-DNA position 1228, C replaced by T.
Protein change: p.Leu410Phe; replaces leucine 410 with phenylalanine.
Molecular consequence: missense variant.
Genome position (GRCh38, 1-based): chr15:43,397,270, C>T. VCF-style: chr15-43397270-C-T. GRCh37 (hg19) VCF-style: chr15-43689468-C-T.
Other names: c.1228C>T, p.Leu410Phe (NM_001286414.3); short protein forms L410F.
Identifiers: ClinVar variation 1486561 (VCV001486561.8), dbSNP rs2142864956, ClinGen allele CA392131968.